The following is an entry in ClinVar:

ClinVar aggregate classification (germline): Uncertain significance. Review status: criteria provided, multiple submitters, no conflicts (2 of 4 stars). 3 submissions from 3 submitters: Uncertain significance (3). Last evaluated 2025-09-12.

Conditions:
Peroxisome biogenesis disorder. Identifiers: Orphanet 79189, MedGen C1832200, MONDO:0019234. Disease mechanism: loss of function.

Allele frequency attached by ClinVar (database versions not stated): gnomAD exomes 0.00002 and 0.00001; gnomAD 0.00004 and 0.00005; 1000 Genomes Project 0.00020; ExAC 0.00002; TOPMed 0.00009; 1000 Genomes Project 30x 0.00016.
gnomAD v4.1: 15 of 1,613,132 alleles (0.00093%); highest among the groups gnomAD compares: African/African-American, 0.015%; no homozygotes.

Submissions (3):

Dasa
Classification: Uncertain significance. Last evaluated: 2025-09-12. Review status: criteria provided, single submitter. Criteria: DASA Assertion Criteria. Collection method: clinical testing. Allele origin: germline.
Comment: NM_000287.4(PEX6):c.2459G>A (p.Gly820Glu) is a missense variant that results in the substitution of glycine with glutamic acid. This variant is rare in population databases. Computational prediction algorithms are consistent with a deleterious effect. The currently available literature and clinical evidence are not sufficient to establish a definitive association between this variant and the reported condition. Therefore, this variant is classified as a variant of uncertain significance.

Labcorp Genetics (formerly Invitae), Labcorp
Classification: Uncertain significance for Peroxisome biogenesis disorder. Last evaluated: 2022-08-15. Review status: criteria provided, single submitter. Criteria: Invitae Variant Classification Sherloc (09022015). Collection method: clinical testing. Allele origin: germline.
Comment: This sequence change replaces glycine, which is neutral and non-polar, with glutamic acid, which is acidic and polar, at codon 820 of the PEX6 protein (p.Gly820Glu). This variant is present in population databases (rs558030547, gnomAD 0.03%). This variant has not been reported in the literature in individuals affected with PEX6-related conditions. ClinVar contains an entry for this variant (Variation ID: 595289). Algorithms developed to predict the effect of missense changes on protein structure and function (SIFT, PolyPhen-2, Align-GVGD) all suggest that this variant is likely to be disruptive. In summary, the available evidence is currently insufficient to determine the role of this variant in disease. Therefore, it has been classified as a Variant of Uncertain Significance.

Eurofins Ntd Llc (ga)
Classification: Uncertain significance. Last evaluated: 2017-12-06. Review status: criteria provided, single submitter. Criteria: EGL Classification Definitions 2015. Collection method: clinical testing. Allele origin: germline. Observed: 1 variant allele, 1 heterozygote.

NM_000287.4(PEX6):c.2459G>A (p.Gly820Glu)

Gene: PEX6 (peroxisomal biogenesis factor 6; minus strand). Cytogenetic location: 6p21.1.
Variant type: single nucleotide variant.
Coding change: c.2459G>A on transcript NM_000287.4 (MANE Select); coding-DNA position 2459, G replaced by A.
Protein change: p.Gly820Glu; replaces glycine 820 with glutamic acid.
Molecular consequence: missense variant. On other transcripts: non-coding transcript variant (1).
Genome position (GRCh38, 1-based): chr6:42,965,693, C>T on the plus strand (G>A on the coding strand, the complement: PEX6 is on the minus strand). VCF-style: chr6-42965693-C-T. GRCh37 (hg19) VCF-style: chr6-42933431-C-T.
Other names: c.2195G>A, p.Gly732Glu (NM_001316313.2); short protein forms G820E, G732E.
Identifiers: ClinVar variation 595289 (VCV000595289.10), dbSNP rs558030547, ClinGen allele CA3811012.